The following is an entry in ClinVar:

NM_021098.3(CACNA1H):c.3363+293G>A

Gene: CACNA1H (calcium voltage-gated channel subunit alpha1 H; plus strand). Cytogenetic location: 16p13.3.
Variant type: single nucleotide variant.
Coding change: c.3363+293G>A on transcript NM_021098.3 (MANE Select); 293 bases into the intron after coding-DNA position 3363, G replaced by A.
Molecular consequence: intron variant.
Genome position (GRCh38, 1-based): chr16:1,208,514, G>A. VCF-style: chr16-1208514-G-A. GRCh37 (hg19) VCF-style: chr16-1258514-G-A.
Other names: c.3363+293G>A (NM_001005407.2).
Identifiers: ClinVar variation 2645880 (VCV002645880.24), dbSNP rs147092850, ClinGen allele CA276662393.
Genomic context (GRCh38, chr16:1,208,514, plus strand): 5'-AGCAGAGTGCACAGCGCACAGCACAGAAAGACCGAAGCAAGCAGGGGCAGAAGCGTGCCC[G>A]GCAAGCAGACGGCAGGCCAGGCGGGGGTTCCGCTGCCACCAGAAGCAGCCCGATTCCCTT-3'

ClinVar aggregate classification (germline): Benign (1 of 4 stars; one submission).

Allele frequency attached by ClinVar (database versions not stated): 1000 Genomes Project 0.00060; 1000 Genomes Project 30x 0.00062; gnomAD 0.00071.
gnomAD v4.1: 107 of 152,328 alleles (0.07%); highest among the groups gnomAD compares: Non-Finnish European, 0.12%; no homozygotes.

Submission:

CeGaT Center for Human Genetics Tuebingen
Classification: Benign. Last evaluated: 2022-08-01. Review status: criteria provided, single submitter. Criteria: CeGaT Center For Human Genetics Tuebingen Variant Classification Criteria Version 2. Collection method: clinical testing. Allele origin: germline. Affected: yes. Observed: 1 variant allele.
Comment: CACNA1H: BS1, BS2